The following is an entry in ClinVar:

ClinVar aggregate classification (germline): Uncertain significance (1 of 4 stars; one submission).

Allele frequency attached by ClinVar (database versions not stated): ExAC 0.00001.

Submission:

Women's Health and Genetics/Laboratory Corporation of America, LabCorp
Classification: Uncertain significance. Last evaluated: 2024-04-29. Review status: criteria provided, single submitter. Criteria: LabCorp Variant Classification Summary - May 2015. Collection method: clinical testing. Allele origin: germline.
Comment: Variant summary: HERC2 c.3166C>A (p.Arg1056Ser) results in a non-conservative amino acid change in the encoded protein sequence. Three of four in-silico tools predict a damaging effect of the variant on protein function. The variant allele was found at a frequency of 4e-06 in 251402 control chromosomes (gnomAD). The available data on variant occurrences in the general population are insufficient to allow any conclusion about variant significance. To our knowledge, no occurrence of c.3166C>A in individuals affected with Intellectual Developmental Disorder, Autosomal Recessive 38 and no experimental evidence demonstrating its impact on protein function have been reported. No submitters have cited clinical-significance assessments for this variant to ClinVar. Based on the evidence outlined above, the variant was classified as uncertain significance.

NM_004667.6(HERC2):c.3166C>A (p.Arg1056Ser)

Gene: HERC2 (HECT and RLD domain containing E3 ubiquitin protein ligase 2; minus strand). Cytogenetic location: 15q13.1.
Variant type: single nucleotide variant.
Coding change: c.3166C>A on transcript NM_004667.6 (MANE Select); coding-DNA position 3166, C replaced by A.
Protein change: p.Arg1056Ser; replaces arginine 1056 with serine.
Molecular consequence: missense variant.
Genome position (GRCh38, 1-based): chr15:28,248,621, G>T on the plus strand (C>A on the coding strand, the complement: HERC2 is on the minus strand). VCF-style: chr15-28248621-G-T. GRCh37 (hg19) VCF-style: chr15-28493767-G-T.
Other names: short protein forms R1056S.
Identifiers: ClinVar variation 3251361 (VCV003251361.1), dbSNP rs754464130.